The following is an entry in ClinVar:

ClinVar aggregate classification (germline): Uncertain significance (1 of 4 stars; one submission).

Submission:

Labcorp Genetics (formerly Invitae), Labcorp
Classification: Uncertain significance. Last evaluated: 2022-06-15. Review status: criteria provided, single submitter. Criteria: Invitae Variant Classification Sherloc (09022015). Collection method: clinical testing. Allele origin: germline.
Comment: In summary, the available evidence is currently insufficient to determine the role of this variant in disease. Therefore, it has been classified as a Variant of Uncertain Significance. Algorithms developed to predict the effect of missense changes on protein structure and function are either unavailable or do not agree on the potential impact of this missense change (SIFT: "Tolerated"; PolyPhen-2: "Possibly Damaging"; Align-GVGD: "Class C0"). This variant has not been reported in the literature in individuals affected with ADAMTSL4-related conditions. This variant is not present in population databases (gnomAD no frequency). This sequence change replaces proline, which is neutral and non-polar, with alanine, which is neutral and non-polar, at codon 763 of the ADAMTSL4 protein (p.Pro763Ala).

NM_019032.6(ADAMTSL4):c.2287C>G (p.Pro763Ala)

Gene: ADAMTSL4 (ADAMTS like 4; plus strand). Cytogenetic location: 1q21.2.
Variant type: single nucleotide variant.
Coding change: c.2287C>G on transcript NM_019032.6 (MANE Select); coding-DNA position 2287, C replaced by G.
Protein change: p.Pro763Ala; replaces proline 763 with alanine.
Molecular consequence: missense variant.
Genome position (GRCh38, 1-based): chr1:150,558,054, C>G. VCF-style: chr1-150558054-C-G. GRCh37 (hg19) VCF-style: chr1-150530530-C-G.
Other names: c.2170C>G, p.Pro724Ala (NM_001288607.2); c.2356C>G, p.Pro786Ala (NM_001288608.2); c.2287C>G, p.Pro763Ala (NM_001378596.1, NM_025008.5); short protein forms P763A, P724A, P786A.
Identifiers: ClinVar variation 1902740 (VCV001902740.5), dbSNP rs2526754404, ClinGen allele CA342314813.